The following is an entry in ClinVar:

NM_001134363.3(RBM20):c.3662G>A (p.Arg1221His)

Gene: RBM20 (RNA binding motif protein 20; plus strand). Cytogenetic location: 10q25.2.
Variant type: single nucleotide variant.
Coding change: c.3662G>A on transcript NM_001134363.3 (MANE Select); coding-DNA position 3662, G replaced by A.
Protein change: p.Arg1221His; replaces arginine 1221 with histidine.
Molecular consequence: missense variant.
Genome position (GRCh38, 1-based): chr10:110,835,956, G>A. VCF-style: chr10-110835956-G-A. GRCh37 (hg19) VCF-style: chr10-112595714-G-A.
Other names: short protein forms R1221H.
Identifiers: ClinVar variation 1410452 (VCV001410452.16), dbSNP rs1421547378, ClinGen allele CA378388300.
Genomic context (GRCh38, chr10:110,835,956, plus strand): 5'-GCCTCAAGGAGACCGAGGGGGCAGATAGCCCGAGGCCAGAGGACAGCGGAATCGTGCCAC[G>A]CTTCGAAAGGAAAAAGCTCTGATGCTTCTGCTTCTGCTGCTACTGCTGCTGCTGCAAGGT-3'
Protein context (NP_001127835.2, residues 1211-1227): PRPEDSGIVP[Arg1221His]FERKKL

ClinVar aggregate classification (germline): Conflicting classifications of pathogenicity. Review status: criteria provided, conflicting classifications (1 of 4 stars). 6 submissions from 6 submitters: Uncertain significance (2); Benign (1); Likely benign (3). Last evaluated 2026-02-01.

Conditions:
Dilated cardiomyopathy 1DD (CMD1DD). Identifiers: Orphanet 154, MedGen C2750995, MONDO:0013168, OMIM 613172.
Cardiovascular phenotype. Identifiers: MedGen CN230736.
Cardiomyopathy (CMYO). Also called: Cardiomyopathies. Identifiers: Orphanet 167848, MedGen C0878544, MONDO:0004994, HP:0001638. Inheritance: Various modes of inheritance.

Allele frequency attached by ClinVar (database versions not stated): gnomAD 0.00001; TOPMed 0.00002; gnomAD exomes 0.00003.
gnomAD v4.1: 44 of 1,318,556 alleles (0.0033%); highest among the groups gnomAD compares: Non-Finnish European, 0.0041%; no homozygotes.

Submissions (6):

CeGaT Center for Human Genetics Tuebingen
Classification: Likely benign. Last evaluated: 2026-02-01. Review status: criteria provided, single submitter. Criteria: CeGaT Center For Human Genetics Tuebingen Variant Classification Criteria Version 2. Collection method: clinical testing. Allele origin: germline. Affected: yes. Observed: 2 variant alleles.
Comment: RBM20: BP4, BS2

Labcorp Genetics (formerly Invitae), Labcorp
Classification: Benign for Dilated cardiomyopathy 1DD. Last evaluated: 2025-12-15. Review status: criteria provided, single submitter. Criteria: Invitae Variant Classification Sherloc (09022015). Collection method: clinical testing. Allele origin: germline.

Blueprint Genetics
Classification: Likely benign. Last evaluated: 2024-07-23. Review status: criteria provided, single submitter. Criteria: ACMG Guidelines, 2015. Collection method: clinical testing. Allele origin: germline.

GeneDx
Classification: Uncertain significance. Last evaluated: 2023-10-12. Review status: criteria provided, single submitter. Criteria: GeneDx Variant Classification Process June 2021. Collection method: clinical testing. Allele origin: germline. Affected: yes.
Comment: Has not been previously published as pathogenic or benign to our knowledge; In silico analysis supports that this missense variant does not alter protein structure/function

Ambry Genetics
Classification: Likely benign for Cardiovascular phenotype. Last evaluated: 2023-07-28. Review status: criteria provided, single submitter. Criteria: Ambry Variant Classification Scheme 2023. Collection method: clinical testing. Allele origin: germline.

CHEO Genetics Diagnostic Laboratory, Children's Hospital of Eastern Ontario
Classification: Uncertain significance for Cardiomyopathy. Last evaluated: 2021-10-25. Review status: criteria provided, single submitter. Criteria: ACMG Guidelines, 2015. Collection method: clinical testing. Allele origin: germline.